The following is an entry in ClinVar:

ClinVar aggregate classification (germline): Uncertain significance (1 of 4 stars; one submission).

Conditions:
Autosomal recessive limb-girdle muscular dystrophy type 2O. Also called: Limb-Girdle Muscular Dystrophy Type 3C; MUSCULAR DYSTROPHY-DYSTROGLYCANOPATHY (LIMB-GIRDLE), TYPE C, 3; MUSCULAR DYSTROPHY-DYSTROGLYCANOPATHY, LIMB-GIRDLE, POMGNT1-RELATED. Identifiers: Orphanet 206564, MedGen C3150417, MONDO:0013161, OMIM 613157.
Muscular dystrophy-dystroglycanopathy (congenital with impaired intellectual development), type B, 3. Also called: MUSCULAR DYSTROPHY, CONGENITAL, POMGNT1-RELATED; Muscular dystrophy-dystroglycanopathy (congenital with intellectual disability), type B3. Identifiers: MedGen C3150412, MONDO:0013155, OMIM 613151.

Submission:

Labcorp Genetics (formerly Invitae), Labcorp
Classification: Uncertain significance for Autosomal recessive limb-girdle muscular dystrophy type 2O; Muscular dystrophy-dystroglycanopathy (congenital with impaired intellectual development), type B, 3. Last evaluated: 2022-07-30. Review status: criteria provided, single submitter. Criteria: Invitae Variant Classification Sherloc (09022015). Collection method: clinical testing. Allele origin: germline.
Comment: This sequence change replaces threonine, which is neutral and polar, with alanine, which is neutral and non-polar, at codon 570 of the POMGNT1 protein (p.Thr570Ala). This variant is not present in population databases (gnomAD no frequency). This variant has not been reported in the literature in individuals affected with POMGNT1-related conditions. Advanced modeling of protein sequence and biophysical properties (such as structural, functional, and spatial information, amino acid conservation, physicochemical variation, residue mobility, and thermodynamic stability) performed at Invitae indicates that this missense variant is not expected to disrupt POMGNT1 protein function. In summary, the available evidence is currently insufficient to determine the role of this variant in disease. Therefore, it has been classified as a Variant of Uncertain Significance.

NM_017739.4(POMGNT1):c.1708A>G (p.Thr570Ala)

Genes: POMGNT1 (protein O-linked mannose N-acetylglucosaminyltransferase 1 (beta 1,2-); minus strand), TSPAN1 (tetraspanin 1; plus strand). Cytogenetic location: 1p34.1.
Variant type: single nucleotide variant.
Coding change: c.1708A>G on transcript NM_017739.4 (MANE Select); coding-DNA position 1708, A replaced by G.
Protein change: p.Thr570Ala; replaces threonine 570 with alanine.
Molecular consequence: missense variant.
Genome position (GRCh38, 1-based): chr1:46,189,931, T>C on the plus strand (A>G on the coding strand, the complement: POMGNT1 is on the minus strand). VCF-style: chr1-46189931-T-C. GRCh37 (hg19) VCF-style: chr1-46655603-T-C.
Other names: c.1708A>G, p.Thr570Ala (NM_001243766.2, NM_001410783.1); c.1642A>G, p.Thr548Ala (NM_001290129.3); c.1279A>G, p.Thr427Ala (NM_001290130.2); short protein forms T427A, T548A, T570A.
Identifiers: ClinVar variation 1958480 (VCV001958480.2), dbSNP rs2525344610, ClinGen allele CA340171450.
Genomic context (GRCh38, chr1:46,189,931, plus strand): 5'-AGGTGGTGAAGTCATCATCTTTCTCCATTCGAATAAAGGCCACGTAGGTGTGGCCCTCTG[T>C]GTCTGGCAGGAAAGAGTCTTCACAAGGGTTCTTGCTGTGGTCCAGAACCTCAGCCTCACT-3'
Protein context (NP_060209.4, residues 560-580): NPCEDSFLPD[Thr570Ala]EGHTYVAFIR